The following is an entry in ClinVar:

ClinVar aggregate classification (germline): Uncertain significance (1 of 4 stars; one submission).

Conditions:
Hereditary cancer-predisposing syndrome. Also called: Hereditary neoplastic syndrome; Neoplastic Syndromes, Hereditary; Tumor predisposition; Hereditary Cancer Syndrome. Identifiers: Orphanet 140162, MedGen C0027672, MeSH D009386, MONDO:0015356.

gnomAD v4.1: 1 of 1,613,918 alleles (0.000062%); highest among the groups gnomAD compares: Non-Finnish European, 0.000085%; no homozygotes.

Submission:

Labcorp Genetics (formerly Invitae), Labcorp
Classification: Uncertain significance for Hereditary cancer-predisposing syndrome. Last evaluated: 2021-02-18. Review status: criteria provided, single submitter. Criteria: Invitae Variant Classification Sherloc (09022015). Collection method: clinical testing. Allele origin: germline.
Comment: This variant has not been reported in the literature in individuals with RAD50-related conditions. This sequence change replaces aspartic acid with glutamic acid at codon 641 of the RAD50 protein (p.Asp641Glu). The aspartic acid residue is moderately conserved and there is a small physicochemical difference between aspartic acid and glutamic acid. This variant is not present in population databases (ExAC no frequency). Algorithms developed to predict the effect of missense changes on protein structure and function (SIFT, PolyPhen-2, Align-GVGD) all suggest that this variant is likely to be tolerated, but these predictions have not been confirmed by published functional studies and their clinical significance is uncertain. In summary, the available evidence is currently insufficient to determine the role of this variant in disease. Therefore, it has been classified as a Variant of Uncertain Significance.

NM_005732.4(RAD50):c.1923T>G (p.Asp641Glu)

Gene: RAD50 (RAD50 double strand break repair protein; plus strand). Cytogenetic location: 5q31.1.
Variant type: single nucleotide variant.
Coding change: c.1923T>G on transcript NM_005732.4 (MANE Select); coding-DNA position 1923, T replaced by G.
Protein change: p.Asp641Glu; replaces aspartic acid 641 with glutamic acid.
Molecular consequence: missense variant.
Genome position (GRCh38, 1-based): chr5:132,594,998, T>G. VCF-style: chr5-132594998-T-G. GRCh37 (hg19) VCF-style: chr5-131930690-T-G.
Other names: short protein forms D641E.
Identifiers: ClinVar variation 1511822 (VCV001511822.8), dbSNP rs2149843755, ClinGen allele CA360948263.